The following is an entry in ClinVar:

NM_001321075.3(DLG4):c.1631A>G (p.Lys544Arg)

Gene: DLG4 (discs large MAGUK scaffold protein 4; minus strand). Cytogenetic location: 17p13.1.
Variant type: single nucleotide variant.
Coding change: c.1631A>G on transcript NM_001321075.3 (MANE Select); coding-DNA position 1631, A replaced by G.
Protein change: p.Lys544Arg; replaces lysine 544 with arginine.
Molecular consequence: missense variant. On other transcripts: non-coding transcript variant (1).
Genome position (GRCh38, 1-based): chr17:7,193,545, T>C on the plus strand (A>G on the coding strand, the complement: DLG4 is on the minus strand). VCF-style: chr17-7193545-T-C. GRCh37 (hg19) VCF-style: chr17-7096864-T-C.
Other names: c.1622A>G, p.Lys541Arg (NM_001128827.4); c.1751A>G, p.Lys584Arg (NM_001321074.1); c.1451A>G, p.Lys484Arg (NM_001321076.3, NM_001321077.3); c.1760A>G, p.Lys587Arg (NM_001365.5); c.1550A>G, p.Lys517Arg (NM_001369566.3); short protein forms K541R, K484R, K544R, K587R, K517R, K584R.
Identifiers: ClinVar variation 3731227 (VCV003731227.1).

ClinVar aggregate classification (germline): Uncertain significance (1 of 4 stars; one submission).

Submission:

GeneDx
Classification: Uncertain significance. Last evaluated: 2024-08-15. Review status: criteria provided, single submitter. Criteria: GeneDx Variant Classification Process June 2021. Collection method: clinical testing. Allele origin: germline. Affected: yes.
Comment: Not observed at significant frequency in large population cohorts (gnomAD); In silico analysis supports that this missense variant has a deleterious effect on protein structure/function; In silico analysis supports a deleterious effect on splicing; Has not been previously published as pathogenic or benign to our knowledge